The following is an entry in ClinVar:

ClinVar aggregate classification (germline): Uncertain significance (1 of 4 stars; one submission).

Conditions:
Desmin-related myofibrillar myopathy (MFM1). Also called: Desmin related myopathy (former name); Desmin storage myopathy (former name); MYOFIBRILLAR MYOPATHY WITH ARRHYTHMOGENIC RIGHT VENTRICULAR CARDIOMYOPATHY; DESMIN-RELATED MYOPATHY WITH ARRHYTHMOGENIC RIGHT VENTRICULAR CARDIOMYOPATHY; Myofibrillar myopathy 1; Desminopathy. Identifiers: Orphanet 363543, Orphanet 98909, MedGen C1832370, MONDO:0011076, OMIM 601419.

Allele frequency attached by ClinVar (database versions not stated): gnomAD exomes below 0.00001 and 0.00001; TOPMed 0.00001.

Submission:

Labcorp Genetics (formerly Invitae), Labcorp
Classification: Uncertain significance for Desmin-related myofibrillar myopathy. Last evaluated: 2022-10-17. Review status: criteria provided, single submitter. Criteria: Invitae Variant Classification Sherloc (09022015). Collection method: clinical testing. Allele origin: germline.
Comment: ClinVar contains an entry for this variant (Variation ID: 642478). This variant has not been reported in the literature in individuals affected with DES-related conditions. The frequency data for this variant in the population databases is considered unreliable, as metrics indicate poor data quality at this position in the gnomAD database. This sequence change replaces glutamic acid, which is acidic and polar, with lysine, which is basic and polar, at codon 434 of the DES protein (p.Glu434Lys). Advanced modeling of protein sequence and biophysical properties (such as structural, functional, and spatial information, amino acid conservation, physicochemical variation, residue mobility, and thermodynamic stability) has been performed at Invitae for this missense variant, however the output from this modeling did not meet the statistical confidence thresholds required to predict the impact of this variant on DES protein function. In summary, the available evidence is currently insufficient to determine the role of this variant in disease. Therefore, it has been classified as a Variant of Uncertain Significance.

NM_001927.4(DES):c.1300G>A (p.Glu434Lys)

Gene: DES (desmin; plus strand). Cytogenetic location: 2q35.
Variant type: single nucleotide variant.
Coding change: c.1300G>A on transcript NM_001927.4 (MANE Select); coding-DNA position 1300, G replaced by A.
Protein change: p.Glu434Lys; replaces glutamic acid 434 with lysine.
Molecular consequence: missense variant.
Genome position (GRCh38, 1-based): chr2:219,425,674, G>A. VCF-style: chr2-219425674-G-A. GRCh37 (hg19) VCF-style: chr2-220290396-G-A.
Other names: c.1300G>A (LRG_380t1); short protein forms E434K.
Identifiers: ClinVar variation 642478 (VCV000642478.7), dbSNP rs952020807, ClinGen allele CA65986902.